The following is an entry in ClinVar:

NM_203475.3(PORCN):c.1077_1078insAAC (p.Tyr359_Val360insAsn)

Gene: PORCN (porcupine O-acyltransferase; plus strand). Cytogenetic location: Xp11.23.
Variant type: Insertion.
Coding change: c.1077_1078insAAC on transcript NM_203475.3 (MANE Select); coding-DNA positions 1077 to 1078, AAC inserted.
Protein change: p.Tyr359_Val360insAsn.
Molecular consequence: inframe insertion.
Genome position: GRCh38 VCF-style: chrX-48515941-T-TACA. GRCh37 (hg19) VCF-style: chrX-48374329-T-TACA.
Other names: c.831_832insAAC, p.Tyr277_Val278insAsn (NM_001282167.2); c.1044_1045insAAC, p.Tyr348_Val349insAsn (NM_022825.4); c.1062_1063insAAC, p.Tyr354_Val355insAsn (NM_203473.3); c.1059_1060insAAC, p.Tyr353_Val354insAsn (NM_203474.1).
Identifiers: ClinVar variation 2502310 (VCV002502310.2), dbSNP rs2519481658, ClinGen allele CA2580617032.

ClinVar aggregate classification (germline): Likely pathogenic (1 of 4 stars; one submission).

Conditions:
Focal dermal hypoplasia (FDH). Also called: Goltz syndrome. Identifiers: Orphanet 2092, MedGen C0016395, MONDO:0010592, OMIM 305600.

Submission:

Division of Medical Genetics, Department of Pediatrics, All India Institute of Medical Sciences, New Delhi
Classification: Likely pathogenic for Focal dermal hypoplasia. Review status: criteria provided, single submitter. Criteria: ACMG Guidelines, 2015. Collection method: research. Allele origin: germline. Affected: yes.